The following is an entry in ClinVar:

ClinVar aggregate classification (germline): Uncertain significance. Review status: criteria provided, multiple submitters, no conflicts (2 of 4 stars). 2 submissions from 2 submitters: Uncertain significance (2). Last evaluated 2025-06-30.

Conditions:
Intellectual developmental disorder with speech delay, dysmorphic facies, and t-cell abnormalities. Also called: BCL11B-related BAFopathy. Identifiers: Orphanet 662829, MedGen C4748152, MONDO:0060763, OMIM 618092.

gnomAD v4.1: 8 of 1,539,616 alleles (0.00052%); highest among the groups gnomAD compares: Admixed American, 0.0019%; no homozygotes.

Submissions (2):

Labcorp Genetics (formerly Invitae), Labcorp
Classification: Uncertain significance. Last evaluated: 2025-06-30. Review status: criteria provided, single submitter. Criteria: Invitae Variant Classification Sherloc (09022015). Collection method: clinical testing. Allele origin: germline.
Comment: This sequence change replaces glycine, which is neutral and non-polar, with serine, which is neutral and polar, at codon 515 of the BCL11B protein (p.Gly515Ser). The frequency data for this variant in the population databases is considered unreliable, as metrics indicate poor data quality at this position in the gnomAD database. This variant has not been reported in the literature in individuals affected with BCL11B-related conditions. ClinVar contains an entry for this variant (Variation ID: 3780965). Invitae Evidence Modeling of protein sequence and biophysical properties (such as structural, functional, and spatial information, amino acid conservation, physicochemical variation, residue mobility, and thermodynamic stability) indicates that this missense variant is not expected to disrupt BCL11B protein function with a negative predictive value of 95%. In summary, the available evidence is currently insufficient to determine the role of this variant in disease. Therefore, it has been classified as a Variant of Uncertain Significance.

Department of Pathology and Laboratory Medicine, Sinai Health System
Classification: Uncertain significance for intellectual developmental disorder with speech delay, dysmorphic facies, and t-cell abnormalities. Last evaluated: 2023-09-20. Review status: criteria provided, single submitter. Criteria: ACMG Guidelines, 2015. Collection method: research. Allele origin: germline.

NM_138576.4(BCL11B):c.1543G>A (p.Gly515Ser)

Gene: BCL11B (BCL11 transcription factor B; minus strand). Cytogenetic location: 14q32.2.
Variant type: single nucleotide variant.
Coding change: c.1543G>A on transcript NM_138576.4 (MANE Select); coding-DNA position 1543, G replaced by A.
Protein change: p.Gly515Ser; replaces glycine 515 with serine.
Molecular consequence: missense variant.
Genome position (GRCh38, 1-based): chr14:99,175,293, C>T on the plus strand (G>A on the coding strand, the complement: BCL11B is on the minus strand). VCF-style: chr14-99175293-C-T. GRCh37 (hg19) VCF-style: chr14-99641630-C-T.
Other names: c.1540G>A, p.Gly514Ser (NM_001282237.2); c.1327G>A, p.Gly443Ser (NM_001282238.2); c.1330G>A, p.Gly444Ser (NM_022898.3); short protein forms G443S, G444S, G514S, G515S.
Identifiers: ClinVar variation 3780965 (VCV003780965.2).